The following is an entry in ClinVar:

ClinVar aggregate classification (germline): Uncertain significance. Review status: criteria provided, single submitter (1 of 4 stars). 2 submissions from 2 submitters: Uncertain significance (1). 1 of the submissions does not count toward it. Last evaluated 2024-06-13.

Conditions:
Prostate cancer, hereditary, 1 (HPC1). Identifiers: Orphanet 1331, MedGen C4722327, MONDO:0011098, OMIM 601518.

Submissions (2):

Labcorp Genetics (formerly Invitae), Labcorp
Classification: Uncertain significance. Last evaluated: 2024-06-13. Review status: criteria provided, single submitter. Criteria: Invitae Variant Classification Sherloc (09022015). Collection method: clinical testing. Allele origin: germline.
Comment: This sequence change replaces alanine, which is neutral and non-polar, with proline, which is neutral and non-polar, at codon 282 of the HOXB13 protein (p.Ala282Pro). This variant is not present in population databases (gnomAD no frequency). This variant has not been reported in the literature in individuals affected with HOXB13-related conditions. ClinVar contains an entry for this variant (Variation ID: 691225). An algorithm developed to predict the effect of missense changes on protein structure and function (PolyPhen-2) suggests that this variant is likely to be tolerated. In summary, the available evidence is currently insufficient to determine the role of this variant in disease. Therefore, it has been classified as a Variant of Uncertain Significance.

Laboratory of Virology, Microbiology,  Quality and Medical Biotechnologies, Faculty of Sciences and Techniques - Mohammedia, Hassan II University of Casablanca
Classification: Uncertain significance for Prostate cancer, hereditary, 1. Review status: no assertion criteria provided. Collection method: clinical testing. Allele origin: somatic. Affected: yes. Not counted in ClinVar's aggregate classification.

NM_006361.6(HOXB13):c.844G>C (p.Ala282Pro)

Gene: HOXB13 (homeobox B13; minus strand). Cytogenetic location: 17q21.32.
Variant type: single nucleotide variant.
Coding change: c.844G>C on transcript NM_006361.6 (MANE Select); coding-DNA position 844, G replaced by C.
Protein change: p.Ala282Pro; replaces alanine 282 with proline.
Molecular consequence: missense variant.
Genome position (GRCh38, 1-based): chr17:48,726,801, C>G on the plus strand (G>C on the coding strand, the complement: HOXB13 is on the minus strand). VCF-style: chr17-48726801-C-G. GRCh37 (hg19) VCF-style: chr17-46804163-C-G.
Other names: short protein forms A282P.
Identifiers: ClinVar variation 691225 (VCV000691225.10), dbSNP rs752722523, ClinGen allele CA400105188.